The following is an entry in ClinVar:

ClinVar aggregate classification (germline): Conflicting classifications of pathogenicity. Review status: criteria provided, conflicting classifications (1 of 4 stars). 2 submissions from 2 submitters: Uncertain significance (1); Benign (1). Last evaluated 2026-01-15.

Conditions:
Primary ciliary dyskinesia. Also called: Ciliary dyskinesia. Identifiers: Orphanet 244, MedGen C0008780, MONDO:0016575, HP:0012265.

Allele frequency attached by ClinVar (database versions not stated): ExAC 0.00003; gnomAD 0.00004; TOPMed 0.00009.
gnomAD v4.1: 48 of 1,613,982 alleles (0.003%); highest among the groups gnomAD compares: East Asian, 0.02%; no homozygotes.

Submissions (2):

Labcorp Genetics (formerly Invitae), Labcorp
Classification: Benign for Primary ciliary dyskinesia. Last evaluated: 2026-01-15. Review status: criteria provided, single submitter. Criteria: Invitae Variant Classification Sherloc (09022015). Collection method: clinical testing. Allele origin: germline.

GeneDx
Classification: Uncertain significance. Last evaluated: 2023-12-20. Review status: criteria provided, single submitter. Criteria: GeneDx Variant Classification Process June 2021. Collection method: clinical testing. Allele origin: germline. Affected: yes.
Comment: In silico analysis supports that this missense variant has a deleterious effect on protein structure/function; Identified in an individual with a congenital heart defect and heterotaxy (Liu S et al., 2019); This variant is associated with the following publications: (PMID: 31040315)

NM_001369.3(DNAH5):c.12212G>A (p.Arg4071His)

Gene: DNAH5 (dynein axonemal heavy chain 5; minus strand). Cytogenetic location: 5p15.2.
Variant type: single nucleotide variant.
Coding change: c.12212G>A on transcript NM_001369.3 (MANE Select); coding-DNA position 12212, G replaced by A.
Protein change: p.Arg4071His; replaces arginine 4071 with histidine.
Molecular consequence: missense variant.
Genome position (GRCh38, 1-based): chr5:13,721,067, C>T on the plus strand (G>A on the coding strand, the complement: DNAH5 is on the minus strand). VCF-style: chr5-13721067-C-T. GRCh37 (hg19) VCF-style: chr5-13721176-C-T.
Other names: c.12212G>A (NM_001369.2); short protein forms R4071H.
Identifiers: ClinVar variation 1973362 (VCV001973362.6), dbSNP rs745403938, ClinGen allele CA3201709.